The following is an entry in ClinVar:

NM_007294.4(BRCA1):c.4484+13A>G

Gene: BRCA1 (BRCA1 DNA repair associated; minus strand). Cytogenetic location: 17q21.31.
Variant type: single nucleotide variant.
Coding change: c.4484+13A>G on transcript NM_007294.4 (MANE Select); 13 bases into the intron after coding-DNA position 4484, A replaced by G.
Molecular consequence: intron variant.
Genome position (GRCh38, 1-based): chr17:43,076,475, T>C on the plus strand (A>G on the coding strand, the complement: BRCA1 is on the minus strand). VCF-style: chr17-43076475-T-C. GRCh37 (hg19) VCF-style: chr17-41228492-T-C.
Other names: c.1094+13A>G (NM_001408412.1, NM_001408413.1, NM_001408416.1 and 2 more transcripts); c.4403+13A>G (NM_001407656.1, NM_001407657.1, NM_001407658.1); c.4406+13A>G (NM_001407654.1, NM_001407653.1, NM_001407655.1); c.833+13A>G (NM_001408509.1); c.836+13A>G (NM_001408508.1); c.962+13A>G (NM_001408491.1, NM_001408481.1, NM_001408490.1 and 5 more transcripts); c.4268+13A>G (NM_001407918.1, NM_001407915.1, NM_001407916.1 and 1 more transcripts); c.4271+13A>G (NM_001407894.1, NM_001407909.1, NM_001407906.1 and 12 more transcripts); and 71 more.
Identifiers: ClinVar variation 4685876 (VCV004685876.2).

ClinVar aggregate classification (germline): Conflicting classifications of pathogenicity. Review status: criteria provided, conflicting classifications (1 of 4 stars). 2 submissions from 2 submitters: Uncertain significance (1); Likely benign (1). Last evaluated 2025-11-25.

Conditions:
Hereditary breast ovarian cancer syndrome. Also called: Hereditary breast and ovarian cancer syndrome (HBOC); Breast and ovarian cancer; Hereditary breast and ovarian cancer; Hereditary breast and ovarian cancer syndrome; BRCA1- and BRCA2-Associated Hereditary Breast and Ovarian Cancer; Hereditary breast and/or ovarian cancer syndrome. Identifiers: Orphanet 145, MedGen C0677776, MeSH D061325, MONDO:0003582. Disease mechanism: loss of function.

Submissions (2):

Labcorp Genetics (formerly Invitae), Labcorp
Classification: Likely benign for Hereditary breast ovarian cancer syndrome. Last evaluated: 2025-11-25. Review status: criteria provided, single submitter. Criteria: Invitae Variant Classification Sherloc (09022015). Collection method: clinical testing. Allele origin: germline.

ARUP Laboratories, Molecular Genetics and Genomics, ARUP Laboratories
Classification: Uncertain significance. Last evaluated: 2025-06-11. Review status: criteria provided, single submitter. Criteria: ARUP Molecular Germline Variant Investigation Process 2024. Collection method: clinical testing. Allele origin: germline.
Comment: The BRCA1 c.4484+13A>G variant (rs2052716256) is reported in the literature in one individual with a familial breast cancer but without evidence of causality (Cao 2013). This variant is absent from the Genome Aggregation Database (v2.1.1), indicating it is not a common polymorphism. This is an intronic variant and computational analyses (SpliceAI) predict that this variant does not alter splicing. Due to conflicting information, the clinical significance of this variant is uncertain at this time. References: Cao W et al. BRCA1 germ-line mutations and tumor characteristics in eastern Chinese women with familial breast cancer. Anat Rec (Hoboken). 2013 Feb;296(2):273-8. PMID: 23175448.